The following is an entry in ClinVar:

ClinVar aggregate classification (germline): Likely benign (0 of 4 stars; one submission).

Conditions:
THADA-related disorder. Also called: THADA-related condition.

Allele frequency attached by ClinVar (database versions not stated): gnomAD exomes 0.00018; ExAC 0.00051; gnomAD 0.00160; TOPMed 0.00187; 1000 Genomes Project 30x 0.00234; 1000 Genomes Project 0.00240; ESP Exome Variant Server 0.00256.
gnomAD v4.1: 513 of 1,613,840 alleles (0.032%); highest among the groups gnomAD compares: African/African-American, 0.64%; 1 homozygote.

Submission:

PreventionGenetics, part of Exact Sciences
Classification: Likely benign for THADA-related condition. Last evaluated: 2019-06-05. Review status: no assertion criteria provided. Collection method: clinical testing. Allele origin: germline.
Comment: This variant is classified as likely benign based on ACMG/AMP sequence variant interpretation guidelines (Richards et al. 2015 PMID: 25741868, with internal and published modifications).

NM_022065.5(THADA):c.2658A>G (p.Glu886=)

Gene: THADA (THADA armadillo repeat containing; minus strand). Cytogenetic location: 2p21.
Variant type: single nucleotide variant.
Coding change: c.2658A>G on transcript NM_022065.5 (MANE Select); coding-DNA position 2658, A replaced by G.
Protein change: p.Glu886=; no amino-acid change (glutamic acid 886 retained).
Molecular consequence: synonymous variant. On other transcripts: non-coding transcript variant (2).
Genome position (GRCh38, 1-based): chr2:43,556,361, T>C on the plus strand (A>G on the coding strand, the complement: THADA is on the minus strand). VCF-style: chr2-43556361-T-C. GRCh37 (hg19) VCF-style: chr2-43783500-T-C.
Other names: c.2658A>G, p.Glu886= (NM_001083953.2, NM_001271643.2, NM_001271644.2 and 2 more transcripts); c.2538A>G, p.Glu846= (NM_001345924.2); c.1788A>G, p.Glu596= (NM_198554.1).
Identifiers: ClinVar variation 3044112 (VCV003044112.2), dbSNP rs139798101, ClinGen allele CA1632883.